The following is an entry in ClinVar:

NM_015001.3(SPEN):c.7645G>A (p.Val2549Ile)

Gene: SPEN (spen family transcriptional repressor; plus strand). Cytogenetic location: 1p36.13.
Variant type: single nucleotide variant.
Coding change: c.7645G>A on transcript NM_015001.3 (MANE Select); coding-DNA position 7645, G replaced by A.
Protein change: p.Val2549Ile; replaces valine 2549 with isoleucine.
Molecular consequence: missense variant.
Genome position (GRCh38, 1-based): chr1:15,933,885, G>A. VCF-style: chr1-15933885-G-A. GRCh37 (hg19) VCF-style: chr1-16260380-G-A.
Other names: short protein forms V2549I.
Identifiers: ClinVar variation 2638335 (VCV002638335.24), dbSNP rs2523090503, ClinGen allele CA338645822.
Genomic context (GRCh38, chr1:15,933,885, plus strand): 5'-ACCAGCTCCAGCACCCTGAGGAAGATTCTCATGGACCCCAAGTATGTGTCTGCCACAAGT[G>A]TCACTTCCACAAGTGTCACCACAGCCATTGCAGAGCCTGTCAGTGCTGCCCCTTGCCTAC-3'
Protein context (NP_055816.2, residues 2539-2559): MDPKYVSATS[Val2549Ile]TSTSVTTAIA

ClinVar aggregate classification (germline): Uncertain significance (1 of 4 stars; one submission).

Submission:

CeGaT Center for Human Genetics Tuebingen
Classification: Uncertain significance. Last evaluated: 2022-03-01. Review status: criteria provided, single submitter. Criteria: CeGaT Center For Human Genetics Tuebingen Variant Classification Criteria Version 2. Collection method: clinical testing. Allele origin: germline. Affected: yes. Observed: 1 variant allele.
Comment: SPEN: PM2, BP4